The following is an entry in ClinVar:

ClinVar aggregate classification (germline): Uncertain significance (1 of 4 stars; one submission).

Conditions:
ATP8B1-related disorder. Also called: ATP8B1-related disorders; ATP8B1-related condition.

gnomAD v4.1: 7 of 1,585,066 alleles (0.00044%); highest among the groups gnomAD compares: Admixed American, 0.013%; no homozygotes.

Submission:

PreventionGenetics, part of Exact Sciences
Classification: Uncertain significance for ATP8B1-related condition. Last evaluated: 2026-06-28. Review status: criteria provided, single submitter. Criteria: ACMG Guidelines, 2015. Collection method: clinical testing. Allele origin: germline.
Comment: The ATP8B1 c.3589G>A variant is predicted to result in the amino acid substitution p.Val1197Met. To our knowledge, this variant has not been reported in the literature. This variant is reported in 0.017% of alleles in individuals of Latino descent in gnomAD. At this time, the clinical significance of this variant is uncertain due to the absence of conclusive functional and genetic evidence.

NM_001374385.1(ATP8B1):c.3589G>A (p.Val1197Met)

Genes: ATP8B1 (ATPase phospholipid transporting 8B1; minus strand), ATP8B1-AS1 (ATP8B1 antisense RNA 1; plus strand). Cytogenetic location: 18q21.31.
Variant type: single nucleotide variant.
Coding change: c.3589G>A on transcript NM_001374385.1 (MANE Select); coding-DNA position 3589, G replaced by A.
Protein change: p.Val1197Met; replaces valine 1197 with methionine.
Molecular consequence: missense variant.
Genome position (GRCh38, 1-based): chr18:57,648,655, C>T on the plus strand (G>A on the coding strand, the complement: ATP8B1 is on the minus strand). VCF-style: chr18-57648655-C-T. GRCh37 (hg19) VCF-style: chr18-55315887-C-T.
Other names: c.3439G>A, p.Val1147Met (NM_001374386.1); c.3589G>A, p.Val1197Met (NM_005603.6); short protein forms V1197M, V1147M.
Identifiers: ClinVar variation 4991515 (VCV004991515.1).